The following is an entry in ClinVar:

ClinVar aggregate classification (germline): Benign/Likely benign. Review status: criteria provided, multiple submitters, no conflicts (2 of 4 stars). 4 submissions from 4 submitters: Benign (2); Likely benign (2). Last evaluated 2026-06-01.

Allele frequency attached by ClinVar (database versions not stated): 1000 Genomes Project 30x 0.00172; gnomAD exomes 0.00387 and 0.00268; ESP Exome Variant Server 0.00261; 1000 Genomes Project 0.00200; TOPMed 0.00246; ExAC 0.00269; gnomAD 0.00270.
gnomAD v4.1: 5,966 of 1,613,938 alleles (0.37%); highest among the groups gnomAD compares: Non-Finnish European, 0.45%; 13 homozygotes.

Submissions (4):

CeGaT Center for Human Genetics Tuebingen
Classification: Benign. Last evaluated: 2026-06-01. Review status: criteria provided, single submitter. Criteria: CeGaT Center For Human Genetics Tuebingen Variant Classification Criteria Version 2. Collection method: clinical testing. Allele origin: germline. Affected: yes. Observed: 26 variant alleles.
Comment: HIVEP2: BP4, BS1, BS2

Labcorp Genetics (formerly Invitae), Labcorp
Classification: Benign. Last evaluated: 2026-02-01. Review status: criteria provided, single submitter. Criteria: Invitae Variant Classification Sherloc (09022015). Collection method: clinical testing. Allele origin: germline.

Center for Pediatric Genomic Medicine, Children's Mercy Hospital and Clinics
Classification: Likely benign. Last evaluated: 2017-09-01. Review status: criteria provided, single submitter. Criteria: ACMG Guidelines, 2015. Collection method: clinical testing. Allele origin: germline.

Breakthrough Genomics
Classification: Likely benign. Review status: criteria provided, single submitter. Criteria: ACMG Guidelines, 2015. Collection method: not provided. Allele origin: germline. Inheritance: Autosomal dominant inheritance. Affected: yes.

NM_006734.4(HIVEP2):c.7036C>T (p.Leu2346Phe)

Gene: HIVEP2 (HIVEP zinc finger 2; minus strand). Cytogenetic location: 6q24.2.
Variant type: single nucleotide variant.
Coding change: c.7036C>T on transcript NM_006734.4 (MANE Select); coding-DNA position 7036, C replaced by T.
Protein change: p.Leu2346Phe; replaces leucine 2346 with phenylalanine.
Molecular consequence: missense variant.
Genome position (GRCh38, 1-based): chr6:142,753,412, G>A on the plus strand (C>T on the coding strand, the complement: HIVEP2 is on the minus strand). VCF-style: chr6-142753412-G-A. GRCh37 (hg19) VCF-style: chr6-143074549-G-A.
Other names: short protein forms L2346F.
Identifiers: ClinVar variation 445845 (VCV000445845.42), dbSNP rs117019703, ClinGen allele CA4027583.